The following is an entry in ClinVar:

ClinVar aggregate classification (germline): Uncertain significance (1 of 4 stars; one submission).

Submission:

Labcorp Genetics (formerly Invitae), Labcorp
Classification: Uncertain significance. Last evaluated: 2023-07-19. Review status: criteria provided, single submitter. Criteria: Invitae Variant Classification Sherloc (09022015). Collection method: clinical testing. Allele origin: germline.
Comment: This sequence change replaces methionine, which is neutral and non-polar, with leucine, which is neutral and non-polar, at codon 40 of the TYRP1 protein (p.Met40Leu). In summary, the available evidence is currently insufficient to determine the role of this variant in disease. Therefore, it has been classified as a Variant of Uncertain Significance. Advanced modeling of protein sequence and biophysical properties (such as structural, functional, and spatial information, amino acid conservation, physicochemical variation, residue mobility, and thermodynamic stability) performed at Invitae indicates that this missense variant is not expected to disrupt TYRP1 protein function. This variant has not been reported in the literature in individuals affected with TYRP1-related conditions. This variant is not present in population databases (gnomAD no frequency).

NM_000550.3(TYRP1):c.118A>T (p.Met40Leu)

Gene: TYRP1 (tyrosinase related protein 1; plus strand). Cytogenetic location: 9p23.
Variant type: single nucleotide variant.
Coding change: c.118A>T on transcript NM_000550.3 (MANE Select); coding-DNA position 118, A replaced by T.
Protein change: p.Met40Leu; replaces methionine 40 with leucine.
Molecular consequence: missense variant.
Genome position (GRCh38, 1-based): chr9:12,694,114, A>T. VCF-style: chr9-12694114-A-T. GRCh37 (hg19) VCF-style: chr9-12694114-A-T.
Other names: short protein forms M40L.
Identifiers: ClinVar variation 2745242 (VCV002745242.3), dbSNP rs748230782, ClinGen allele CA372936157.